The following is an entry in ClinVar:

ClinVar aggregate classification (germline): Uncertain significance (1 of 4 stars; one submission).

Conditions:
Bardet-Biedl syndrome (BBS). Identifiers: Orphanet 110, MedGen C0752166, MONDO:0015229.

gnomAD v4.1: 4 of 1,597,186 alleles (0.00025%); highest among the groups gnomAD compares: Non-Finnish European, 0.00034%; no homozygotes.

Submission:

Labcorp Genetics (formerly Invitae), Labcorp
Classification: Uncertain significance for Bardet-Biedl syndrome. Last evaluated: 2023-11-27. Review status: criteria provided, single submitter. Criteria: Invitae Variant Classification Sherloc (09022015). Collection method: clinical testing. Allele origin: germline.
Comment: This sequence change replaces proline, which is neutral and non-polar, with threonine, which is neutral and polar, at codon 511 of the BBS9 protein (p.Pro511Thr). This variant is not present in population databases (gnomAD no frequency). This variant has not been reported in the literature in individuals affected with BBS9-related conditions. ClinVar contains an entry for this variant (Variation ID: 1960908). An algorithm developed to predict the effect of missense changes on protein structure and function (PolyPhen-2) suggests that this variant is likely to be disruptive. In summary, the available evidence is currently insufficient to determine the role of this variant in disease. Therefore, it has been classified as a Variant of Uncertain Significance.

NM_198428.3(BBS9):c.1531C>A (p.Pro511Thr)

Gene: BBS9 (Bardet-Biedl syndrome 9; plus strand). Cytogenetic location: 7p14.3.
Variant type: single nucleotide variant.
Coding change: c.1531C>A on transcript NM_198428.3 (MANE Select); coding-DNA position 1531, C replaced by A.
Protein change: p.Pro511Thr; replaces proline 511 with threonine.
Molecular consequence: missense variant. On other transcripts: non-coding transcript variant (3), intron variant (5).
Genome position (GRCh38, 1-based): chr7:33,351,317, C>A. VCF-style: chr7-33351317-C-A. GRCh37 (hg19) VCF-style: chr7-33390929-C-A.
Other names: c.1531C>A, p.Pro511Thr (NM_001033605.2, NM_001348036.1, NM_001348041.4 and 4 more transcripts); c.1165C>A, p.Pro389Thr (NM_001348037.3, NM_001348045.3, NM_001348046.3); c.1258C>A, p.Pro420Thr (NM_001348038.3); c.1396C>A, p.Pro466Thr (NM_001348042.3); c.1160-1542C>A (NM_001348039.3); c.1433-1542C>A (NM_001033604.2); c.1432+2147C>A (NM_014451.4, NM_001348040.3); c.1067-1542C>A (NM_001348044.3); short protein forms P466T, P511T, P389T, P420T.
Identifiers: ClinVar variation 1960908 (VCV001960908.5), dbSNP rs2536016820, ClinGen allele CA367256224.
Genomic context (GRCh38, chr7:33,351,317, plus strand): 5'-CTGAAAAGAAGTTATACACCATCAGAATTGGAAGGAAATGCTGTTGTTTCTTATTCCAGA[C>A]CAACAGGTAAACATACAGGCTTAATCATTACTTTAAGTTGTTGGAGTTATGAGTAAAATG-3'
Protein context (NP_940820.1, residues 501-521): EGNAVVSYSR[Pro511Thr]TDRNPDGIPR